The following is an entry in ClinVar:

ClinVar aggregate classification (germline): Likely pathogenic (1 of 4 stars; one submission).

Conditions:
Autosomal recessive polycystic kidney disease (ARPKD). Also called: AR polycystic kidney disease. Identifiers: Orphanet 731, Orphanet 8378, MedGen C0085548, MeSH D017044, MONDO:0009889.

Submission:

Natera, Inc.
Classification: Likely pathogenic for Autosomal recessive polycystic kidney disease. Last evaluated: 2026-01-27. Review status: criteria provided, single submitter. Criteria: Natera Variant Classification Schema (03/2026). Collection method: clinical testing. Allele origin: germline.
Comment: The c.3944T>G variant in PKHD1 is a missense variant predicted to cause substitution of leucine to arginine at amino acid 1315. This variant is rare in the general population with a frequency below the threshold expected for the associated phenotype(s). This variant has been observed in one or more individuals affected with the associated recessive disease, as either homozygous or compound heterozygous with a second variant (PMID: 39888183, 34536170). Computational prediction algorithms indicate this variant is likely to affect gene or protein function. Given the available evidence, this variant is classified as Likely Pathogenic.

Literature cited by the submitters: PubMed 39888183; PubMed 34536170.

NM_138694.4(PKHD1):c.3944T>G (p.Leu1315Arg)

Gene: PKHD1 (PKHD1 ciliary IPT domain containing fibrocystin/polyductin; minus strand). Cytogenetic location: 6p12.2.
Variant type: single nucleotide variant.
Coding change: c.3944T>G on transcript NM_138694.4 (MANE Select); coding-DNA position 3944, T replaced by G.
Protein change: p.Leu1315Arg; replaces leucine 1315 with arginine.
Molecular consequence: missense variant.
Genome position (GRCh38, 1-based): chr6:52,025,866, A>C on the plus strand (T>G on the coding strand, the complement: PKHD1 is on the minus strand). VCF-style: chr6-52025866-A-C. GRCh37 (hg19) VCF-style: chr6-51890664-A-C.
Other names: c.3944T>G, p.Leu1315Arg (NM_170724.3); short protein forms L1315R.
Identifiers: ClinVar variation 4816651 (VCV004816651.1).